The following is an entry in ClinVar:

NM_017763.6(RNF43):c.791G>A (p.Ser264Asn)

Gene: RNF43 (ring finger protein 43; minus strand). Cytogenetic location: 17q22.
Variant type: single nucleotide variant.
Coding change: c.791G>A on transcript NM_017763.6 (MANE Select); coding-DNA position 791, G replaced by A.
Protein change: p.Ser264Asn; replaces serine 264 with asparagine.
Molecular consequence: missense variant.
Genome position (GRCh38, 1-based): chr17:58,360,841, C>T on the plus strand (G>A on the coding strand, the complement: RNF43 is on the minus strand). VCF-style: chr17-58360841-C-T. GRCh37 (hg19) VCF-style: chr17-56438202-C-T.
Other names: c.791G>A, p.Ser264Asn (NM_001305544.3); c.410G>A, p.Ser137Asn (NM_001305545.2); short protein forms S137N, S264N.
Identifiers: ClinVar variation 1432301 (VCV001432301.10), dbSNP rs372132623, ClinGen allele CA8673304.

ClinVar aggregate classification (germline): Uncertain significance. Review status: criteria provided, multiple submitters, no conflicts (2 of 4 stars). 3 submissions from 3 submitters: Uncertain significance (3). Last evaluated 2024-11-30.

Allele frequency attached by ClinVar (database versions not stated): gnomAD exomes below 0.00001 and 0.00001; ExAC 0.00001; gnomAD 0.00002; TOPMed 0.00002; ESP Exome Variant Server 0.00008.
gnomAD v4.1: 16 of 1,613,106 alleles (0.00099%); highest among the groups gnomAD compares: Non-Finnish European, 0.0011%; no homozygotes.

Submissions (3):

Ambry Genetics
Classification: Uncertain significance. Last evaluated: 2024-11-30. Review status: criteria provided, single submitter. Criteria: Ambry Variant Classification Scheme 2023. Collection method: clinical testing. Allele origin: germline.
Comment: The p.S264N variant (also known as c.791G>A), located in coding exon 6 of the RNF43 gene, results from a G to A substitution at nucleotide position 791. The serine at codon 264 is replaced by asparagine, an amino acid with highly similar properties. This amino acid position is conserved. In addition, this alteration is predicted to be tolerated by in silico analysis. Based on the available evidence, the clinical significance of this variant remains unclear.

GeneDx
Classification: Uncertain significance. Last evaluated: 2022-02-10. Review status: criteria provided, single submitter. Criteria: GeneDx Variant Classification Process June 2021. Collection method: clinical testing. Allele origin: germline. Affected: yes.
Comment: Not observed at significant frequency in large population cohorts (gnomAD); In silico analysis supports that this missense variant does not alter protein structure/function; Has not been previously published as pathogenic or benign to our knowledge; Variants in candidate genes are classified as variants of uncertain significance in accordance with ACMG guidelines (Richards 2015)

Labcorp Genetics (formerly Invitae), Labcorp
Classification: Uncertain significance. Last evaluated: 2020-12-01. Review status: criteria provided, single submitter. Criteria: Invitae Variant Classification Sherloc (09022015). Collection method: clinical testing. Allele origin: germline.
Comment: In summary, the available evidence is currently insufficient to determine the role of this variant in disease. Therefore, it has been classified as a Variant of Uncertain Significance. Algorithms developed to predict the effect of missense changes on protein structure and function (SIFT, PolyPhen-2, Align-GVGD) all suggest that this variant is likely to be disruptive, but these predictions have not been confirmed by published functional studies and their clinical significance is uncertain. This variant has not been reported in the literature in individuals with RNF43-related conditions. This variant is present in population databases (rs372132623, ExAC 0.002%). This sequence change replaces serine with asparagine at codon 264 of the RNF43 protein (p.Ser264Asn). The serine residue is highly conserved and there is a small physicochemical difference between serine and asparagine.